The following is an entry in ClinVar:

ClinVar aggregate classification (germline): Uncertain significance (1 of 4 stars; one submission).

gnomAD v4.1: 1 of 1,612,510 alleles (0.000062%); highest among the groups gnomAD compares: Non-Finnish European, 0.000085%; no homozygotes.

Submission:

Labcorp Genetics (formerly Invitae), Labcorp
Classification: Uncertain significance. Last evaluated: 2021-07-17. Review status: criteria provided, single submitter. Criteria: Invitae Variant Classification Sherloc (09022015). Collection method: clinical testing. Allele origin: germline.
Comment: Algorithms developed to predict the effect of missense changes on protein structure and function output the following: SIFT: "Tolerated"; PolyPhen-2: "Benign"; Align-GVGD: "Class C0". The valine amino acid residue is found in multiple mammalian species, which suggests that this missense change does not adversely affect protein function. In summary, the available evidence is currently insufficient to determine the role of this variant in disease. Therefore, it has been classified as a Variant of Uncertain Significance. This variant has not been reported in the literature in individuals affected with MPDZ-related conditions. This variant is not present in population databases (ExAC no frequency). This sequence change replaces isoleucine with valine at codon 243 of the MPDZ protein (p.Ile243Val). The isoleucine residue is moderately conserved and there is a small physicochemical difference between isoleucine and valine.

NM_001378778.1(MPDZ):c.727A>G (p.Ile243Val)

Gene: MPDZ (multiple PDZ domain crumbs cell polarity complex component; minus strand). Cytogenetic location: 9p23.
Variant type: single nucleotide variant.
Coding change: c.727A>G on transcript NM_001378778.1 (MANE Select); coding-DNA position 727, A replaced by G.
Protein change: p.Ile243Val; replaces isoleucine 243 with valine.
Molecular consequence: missense variant.
Genome position (GRCh38, 1-based): chr9:13,222,253, T>C on the plus strand (A>G on the coding strand, the complement: MPDZ is on the minus strand). VCF-style: chr9-13222253-T-C. GRCh37 (hg19) VCF-style: chr9-13222252-T-C.
Other names: c.727A>G, p.Ile243Val (NM_001261406.2, NM_001261407.2, NM_001330637.2 and 14 more transcripts); short protein forms I243V.
Identifiers: ClinVar variation 1482106 (VCV001482106.8), dbSNP rs1267345008, ClinGen allele CA372946616.